The following is an entry in ClinVar:

NM_001852.4(COL9A2):c.571G>A (p.Val191Met)

Gene: COL9A2 (collagen type IX alpha 2 chain; minus strand). Cytogenetic location: 1p34.2.
Variant type: single nucleotide variant.
Coding change: c.571G>A on transcript NM_001852.4 (MANE Select); coding-DNA position 571, G replaced by A.
Protein change: p.Val191Met; replaces valine 191 with methionine.
Molecular consequence: missense variant.
Genome position (GRCh38, 1-based): chr1:40,311,235, C>T on the plus strand (G>A on the coding strand, the complement: COL9A2 is on the minus strand). VCF-style: chr1-40311235-C-T. GRCh37 (hg19) VCF-style: chr1-40776907-C-T.
Other names: short protein forms V191M.
Identifiers: ClinVar variation 3633540 (VCV003633540.2).

ClinVar aggregate classification (germline): Uncertain significance (1 of 4 stars; one submission).

Submission:

Labcorp Genetics (formerly Invitae), Labcorp
Classification: Uncertain significance. Last evaluated: 2024-11-19. Review status: criteria provided, single submitter. Criteria: Invitae Variant Classification Sherloc (09022015). Collection method: clinical testing. Allele origin: germline.
Comment: This sequence change replaces valine, which is neutral and non-polar, with methionine, which is neutral and non-polar, at codon 191 of the COL9A2 protein (p.Val191Met). This variant is present in population databases (rs369700719, gnomAD 0.002%). This variant has not been reported in the literature in individuals affected with COL9A2-related conditions. Invitae Evidence Modeling of protein sequence and biophysical properties (such as structural, functional, and spatial information, amino acid conservation, physicochemical variation, residue mobility, and thermodynamic stability) indicates that this missense variant is not expected to disrupt COL9A2 protein function with a negative predictive value of 95%. In summary, the available evidence is currently insufficient to determine the role of this variant in disease. Therefore, it has been classified as a Variant of Uncertain Significance.